The following is an entry in ClinVar:

NM_020779.4(WDR35):c.725A>G (p.Glu242Gly)

Gene: WDR35 (WD repeat domain 35; minus strand). Cytogenetic location: 2p24.1.
Variant type: single nucleotide variant.
Coding change: c.725A>G on transcript NM_020779.4 (MANE Select); coding-DNA position 725, A replaced by G.
Protein change: p.Glu242Gly; replaces glutamic acid 242 with glycine.
Molecular consequence: missense variant.
Genome position (GRCh38, 1-based): chr2:19,974,479, T>C on the plus strand (A>G on the coding strand, the complement: WDR35 is on the minus strand). VCF-style: chr2-19974479-T-C. GRCh37 (hg19) VCF-style: chr2-20174240-T-C.
Other names: c.725A>G, p.Glu242Gly (NM_001006657.2); short protein forms E242G.
Identifiers: ClinVar variation 471486 (VCV000471486.15), dbSNP rs139543775, ClinGen allele CA1543459.

ClinVar aggregate classification (germline): Conflicting classifications of pathogenicity. Review status: criteria provided, conflicting classifications (1 of 4 stars). 4 submissions from 4 submitters: Uncertain significance (2); Likely benign (1). 1 of the submissions does not count toward it. Last evaluated 2024-12-29.

Conditions:
WDR35-related disorder. Also called: WDR35-related condition; WDR35-related disorders. Identifiers: MedGen CN239419.
Short-rib thoracic dysplasia 7 with or without polydactyly (SRTD7). Also called: SHORT-RIB THORACIC DYSPLASIA 7 WITH POLYDACTYLY; Short rib polydactyly syndrome 5. Identifiers: Orphanet 498497, Orphanet 93271, MedGen C3279792, MONDO:0013569, OMIM 614091.
Cranioectodermal dysplasia 2 (CED2). Identifiers: Orphanet 1515, MedGen C3150874, MONDO:0013323, OMIM 613610.

Allele frequency attached by ClinVar (database versions not stated): gnomAD 0.00009 and 0.00011; TOPMed 0.00014; 1000 Genomes Project 30x 0.00016; 1000 Genomes Project 0.00020; ExAC 0.00025.
gnomAD v4.1: 75 of 1,608,576 alleles (0.0047%); highest among the groups gnomAD compares: East Asian, 0.17%; no homozygotes.

Submissions (4):

Labcorp Genetics (formerly Invitae), Labcorp
Classification: Likely benign for Cranioectodermal dysplasia 2; Short-rib thoracic dysplasia 7 with or without polydactyly. Last evaluated: 2024-12-29. Review status: criteria provided, single submitter. Criteria: Invitae Variant Classification Sherloc (09022015). Collection method: clinical testing. Allele origin: germline.

Fulgent Genetics
Classification: Uncertain significance for Cranioectodermal dysplasia 2; Short-rib thoracic dysplasia 7 with or without polydactyly. Last evaluated: 2024-01-22. Review status: criteria provided, single submitter. Criteria: ACMG Guidelines, 2015. Collection method: clinical testing. Allele origin: germline.

Juno Genomics, Hangzhou Juno Genomics, Inc
Classification: Uncertain significance for Short-rib thoracic dysplasia 7 with or without polydactyly; Cranioectodermal dysplasia 2. Review status: criteria provided, single submitter. Criteria: ACMG Guidelines, 2015. Collection method: clinical testing. Allele origin: germline.
Comment: Absent from controls (or at extremely low frequency if recessive) in Genome Aggregation Database.;Multiple lines of computational evidence suggest no impact on gene or gene product.

PreventionGenetics, part of Exact Sciences
Classification: Likely benign for WDR35-related condition. Last evaluated: 2024-09-08. Review status: no assertion criteria provided. Collection method: clinical testing. Allele origin: germline. Not counted in ClinVar's aggregate classification.
Comment: This variant is classified as likely benign based on ACMG/AMP sequence variant interpretation guidelines (Richards et al. 2015 PMID: 25741868, with internal and published modifications).